The following is an entry in ClinVar:

NM_018129.4(PNPO):c.*611C>T

Gene: PNPO (pyridoxamine 5'-phosphate oxidase; plus strand). Cytogenetic location: 17q21.32.
Variant type: single nucleotide variant.
Coding change: c.*611C>T on transcript NM_018129.4 (MANE Select); 611 bases downstream of the stop codon, C replaced by T.
Molecular consequence: 3 prime UTR variant.
Genome position (GRCh38, 1-based): chr17:47,947,393, C>T. VCF-style: chr17-47947393-C-T. GRCh37 (hg19) VCF-style: chr17-46024759-C-T.
Identifiers: ClinVar variation 323919 (VCV000323919.5), dbSNP rs7219707, ClinGen allele CA10650423.

ClinVar aggregate classification (germline): Benign (1 of 4 stars; one submission).

Conditions:
Pyridoxal phosphate-responsive seizures (PNPOD). Also called: Pyridoxal 5'-Phosphate (PLP)-Dependent Epilepsy; EPILEPTIC ENCEPHALOPATHY, NEONATAL, PNPO-RELATED; Pyridoxamine 5-Prime-Phosphate Oxidase Deficiency; Pyridoxine-5'-phosphate oxidase deficiency; SEIZURES, PYRIDOXINE-RESISTANT, PLP-SENSITIVE. Identifiers: Orphanet 79096, MedGen C1864723, MONDO:0012407, OMIM 610090. Disease mechanism: loss of function.

Allele frequency attached by ClinVar (database versions not stated): gnomAD exomes 0.00136; 1000 Genomes Project 0.01897; gnomAD 0.01920 and 0.02041; 1000 Genomes Project 30x 0.02077; TOPMed 0.02166.
gnomAD v4.1: 2,869 of 151,854 alleles (1.9%); highest among the groups gnomAD compares: African/African-American, 6.4%; 94 homozygotes.

Submission:

Illumina Laboratory Services, Illumina
Classification: Benign for Pyridoxal phosphate-responsive seizures. Last evaluated: 2018-01-13. Review status: criteria provided, single submitter. Criteria: ICSL Variant Classification Criteria 13 December 2019. Collection method: clinical testing. Allele origin: germline.
Comment: This variant was observed in the ICSL laboratory as part of a predisposition screen in an ostensibly healthy population. It had not been previously curated by ICSL or reported in the Human Gene Mutation Database (HGMD: prior to June 1st, 2018), and was therefore a candidate for classification through an automated scoring system. Utilizing variant allele frequency, disease prevalence and penetrance estimates, and inheritance mode, an automated score was calculated to assess if this variant is too frequent to cause the disease. Based on the score and internal cut-off values, a variant classified as benign is not then subjected to further curation. The score for this variant resulted in a classification of benign for this disease.